The following is an entry in ClinVar:

ClinVar aggregate classification (germline): Benign/Likely benign. Review status: criteria provided, multiple submitters, no conflicts (2 of 4 stars). 2 submissions from 2 submitters: Benign (1); Likely benign (1). Last evaluated 2024-11-17.

Conditions:
Hereditary cancer-predisposing syndrome. Also called: Hereditary Cancer Syndrome; Hereditary neoplastic syndrome; Neoplastic Syndromes, Hereditary; Tumor predisposition. Identifiers: Orphanet 140162, MedGen C0027672, MeSH D009386, MONDO:0015356.
Multiple endocrine neoplasia, type 1 (MEN1). Also called: MEN I; WERMER SYNDROME; Endocrine adenomatosis multiple; MEN 1; MEA I. Identifiers: Orphanet 652, MedGen C0025267, MeSH D018761, MONDO:0007540, OMIM 131100.

Submissions (2):

Ambry Genetics
Classification: Likely benign for Hereditary cancer-predisposing syndrome. Last evaluated: 2024-11-17. Review status: criteria provided, single submitter. Criteria: Ambry Variant Classification Scheme 2023. Collection method: clinical testing. Allele origin: germline.

Myriad Genetics, Inc.
Classification: Benign for Multiple endocrine neoplasia, type 1. Last evaluated: 2024-10-31. Review status: criteria provided, single submitter. Criteria: Myriad Autosomal Dominant, Autosomal Recessive and X-Linked Classification Criteria (2023). Collection method: clinical testing. Allele origin: unknown.
Comment: This variant is considered benign. This variant is a silent/synonymous amino acid change and it is not expected to impact splicing.

NM_001370259.2(MEN1):c.261C>T (p.Ala87=)

Gene: MEN1 (menin 1; minus strand). Cytogenetic location: 11q13.1.
Variant type: single nucleotide variant.
Coding change: c.261C>T on transcript NM_001370259.2 (MANE Select); coding-DNA position 261, C replaced by T.
Protein change: p.Ala87=; no amino-acid change (alanine 87 retained).
Molecular consequence: synonymous variant. On other transcripts: non-coding transcript variant (4).
Genome position (GRCh38, 1-based): chr11:64,809,849, G>A on the plus strand (C>T on the coding strand, the complement: MEN1 is on the minus strand). VCF-style: chr11-64809849-G-A. GRCh37 (hg19) VCF-style: chr11-64577321-G-A.
Other names: c.261C>T, p.Ala87= (NM_000244.4, NM_001370251.2, NM_001370260.2 and 20 more transcripts).
Identifiers: ClinVar variation 3394994 (VCV003394994.2).